The following is an entry in ClinVar:

NM_173689.7(CRB2):c.966C>A (p.Asp322Glu)

Gene: CRB2 (crumbs cell polarity complex component 2; plus strand). Cytogenetic location: 9q33.3.
Variant type: single nucleotide variant.
Coding change: c.966C>A on transcript NM_173689.7 (MANE Select); coding-DNA position 966, C replaced by A.
Protein change: p.Asp322Glu; replaces aspartic acid 322 with glutamic acid.
Molecular consequence: missense variant.
Genome position (GRCh38, 1-based): chr9:123,367,598, C>A. VCF-style: chr9-123367598-C-A. GRCh37 (hg19) VCF-style: chr9-126129877-C-A.
Other names: short protein forms D322E.
Identifiers: ClinVar variation 2171316 (VCV002171316.4), dbSNP rs753016438, ClinGen allele CA374859915.

ClinVar aggregate classification (germline): Uncertain significance (1 of 4 stars; one submission).

Submission:

Labcorp Genetics (formerly Invitae), Labcorp
Classification: Uncertain significance. Last evaluated: 2022-04-10. Review status: criteria provided, single submitter. Criteria: Invitae Variant Classification Sherloc (09022015). Collection method: clinical testing. Allele origin: germline.
Comment: This variant has not been reported in the literature in individuals affected with CRB2-related conditions. This variant is not present in population databases (gnomAD no frequency). This sequence change replaces aspartic acid, which is acidic and polar, with glutamic acid, which is acidic and polar, at codon 322 of the CRB2 protein (p.Asp322Glu). In summary, the available evidence is currently insufficient to determine the role of this variant in disease. Therefore, it has been classified as a Variant of Uncertain Significance. Advanced modeling of protein sequence and biophysical properties (such as structural, functional, and spatial information, amino acid conservation, physicochemical variation, residue mobility, and thermodynamic stability) performed at Invitae indicates that this missense variant is not expected to disrupt CRB2 protein function.